The following is an entry in ClinVar:

ClinVar aggregate classification (germline): Uncertain significance. Review status: criteria provided, multiple submitters, no conflicts (2 of 4 stars). 2 submissions from 2 submitters: Uncertain significance (2). Last evaluated 2025-11-05.

Conditions:
Inborn genetic diseases. Identifiers: MedGen C0950123, MeSH D030342.
Marinesco-Sjögren syndrome (MSS). Also called: Marinesco-Sjogren Syndrome; Marinesco-SjÃ¶gren syndrome. Identifiers: Orphanet 559, MedGen C0024814, MONDO:0009567, OMIM 248800.

Allele frequency attached by ClinVar (database versions not stated): ExAC 0.00002; gnomAD exomes 0.00002; gnomAD 0.00003; TOPMed 0.00004.
gnomAD v4.1: 34 of 1,614,054 alleles (0.0021%); highest among the groups gnomAD compares: Admixed American, 0.0033%; no homozygotes.

Submissions (2):

Labcorp Genetics (formerly Invitae), Labcorp
Classification: Uncertain significance for Marinesco-Sjögren syndrome. Last evaluated: 2025-11-05. Review status: criteria provided, single submitter. Criteria: Invitae Variant Classification Sherloc (09022015). Collection method: clinical testing. Allele origin: germline.
Comment: This sequence change replaces valine, which is neutral and non-polar, with methionine, which is neutral and non-polar, at codon 69 of the SIL1 protein (p.Val69Met). The frequency data for this variant in the population databases is considered unreliable, as metrics indicate poor data quality at this position in the gnomAD database. This variant has not been reported in the literature in individuals affected with SIL1-related conditions. ClinVar contains an entry for this variant (Variation ID: 2135945). Invitae Evidence Modeling of protein sequence and biophysical properties (such as structural, functional, and spatial information, amino acid conservation, physicochemical variation, residue mobility, and thermodynamic stability) indicates that this missense variant is expected to disrupt SIL1 protein function with a positive predictive value of 80%. In summary, the available evidence is currently insufficient to determine the role of this variant in disease. Therefore, it has been classified as a Variant of Uncertain Significance.

Ambry Genetics
Classification: Uncertain significance for Inborn genetic diseases. Last evaluated: 2024-01-24. Review status: criteria provided, single submitter. Criteria: Ambry Variant Classification Scheme 2023. Collection method: clinical testing. Allele origin: germline.

NM_022464.5(SIL1):c.205G>A (p.Val69Met)

Gene: SIL1 (SIL1 nucleotide exchange factor; minus strand). Cytogenetic location: 5q31.2.
Variant type: single nucleotide variant.
Coding change: c.205G>A on transcript NM_022464.5 (MANE Select); coding-DNA position 205, G replaced by A.
Protein change: p.Val69Met; replaces valine 69 with methionine.
Molecular consequence: missense variant.
Genome position (GRCh38, 1-based): chr5:139,121,074, C>T on the plus strand (G>A on the coding strand, the complement: SIL1 is on the minus strand). VCF-style: chr5-139121074-C-T. GRCh37 (hg19) VCF-style: chr5-138456763-C-T.
Other names: c.205G>A, p.Val69Met (NM_001037633.2); c.205G>A (NM_022464.4); short protein forms V69M.
Identifiers: ClinVar variation 2135945 (VCV002135945.3), dbSNP rs778797298, ClinGen allele CA3432662.